The following is an entry in ClinVar:

ClinVar aggregate classification (germline): Uncertain significance (1 of 4 stars; one submission).

Submission:

Labcorp Genetics (formerly Invitae), Labcorp
Classification: Uncertain significance. Last evaluated: 2023-08-04. Review status: criteria provided, single submitter. Criteria: Invitae Variant Classification Sherloc (09022015). Collection method: clinical testing. Allele origin: germline.
Comment: ClinVar contains an entry for this variant (Variation ID: 1373432). Advanced modeling of protein sequence and biophysical properties (such as structural, functional, and spatial information, amino acid conservation, physicochemical variation, residue mobility, and thermodynamic stability) performed at Invitae indicates that this missense variant is expected to disrupt LBR protein function. In summary, the available evidence is currently insufficient to determine the role of this variant in disease. Therefore, it has been classified as a Variant of Uncertain Significance. This missense change has been observed in individual(s) with clinical features of Greenberg dysplasia (PMID: 29620724). This variant is not present in population databases (gnomAD no frequency). This sequence change replaces tryptophan, which is neutral and slightly polar, with arginine, which is basic and polar, at codon 558 of the LBR protein (p.Trp558Arg).

Literature cited by the submitters: PubMed 29620724.

NM_002296.4(LBR):c.1672T>C (p.Trp558Arg)

Gene: LBR (lamin B receptor; minus strand). Cytogenetic location: 1q42.12.
Variant type: single nucleotide variant.
Coding change: c.1672T>C on transcript NM_002296.4 (MANE Select); coding-DNA position 1672, T replaced by C.
Protein change: p.Trp558Arg; replaces tryptophan 558 with arginine.
Molecular consequence: missense variant.
Genome position (GRCh38, 1-based): chr1:225,404,419, A>G on the plus strand (T>C on the coding strand, the complement: LBR is on the minus strand). VCF-style: chr1-225404419-A-G. GRCh37 (hg19) VCF-style: chr1-225592121-A-G.
Other names: c.1672T>C, p.Trp558Arg (NM_194442.3); short protein forms W558R.
Identifiers: ClinVar variation 1373432 (VCV001373432.6), dbSNP rs2150943270, ClinGen allele CA344992810.
Genomic context (GRCh38, chr1:225,404,419, plus strand): 5'-CTGGCGGCTAAAAGGGTCAAACTAGCACTCTTCTGAAATGCTTACCACATGGGAGGGACC[A>G]CGCCAAGGCCATGATGAGATCACCCAAGTAATTGGGGTGGCGAACAAAGCCCCACCATCC-3'
Protein context (NP_002287.2, residues 548-568): YLGDLIMALA[Trp558Arg]SLPCGFNHIL